The following is an entry in ClinVar:

ClinVar aggregate classification (germline): Benign/Likely benign. Review status: criteria provided, multiple submitters, no conflicts (2 of 4 stars). 7 submissions from 7 submitters: Benign (2); Likely benign (4). 1 of the submissions does not count toward it. Last evaluated 2025-12-11.

Conditions:
FLNA-related disorder.
Heterotopia, periventricular, X-linked dominant (PVNH1). Also called: PERIVENTRICULAR NODULAR HETEROTOPIA 1; X-linked periventricular heterotopia; PERIVENTRICULAR NODULAR HETEROTOPIA 4; HETEROTOPIA, PERIVENTRICULAR, 1. Identifiers: Orphanet 2149, Orphanet 82004, MedGen C1848213, MONDO:0010233, OMIM 300049.
Melnick-Needles syndrome (MNS). Also called: MELNICK-NEEDLES OSTEODYSPLASTY; OSTEODYSPLASTY OF MELNICK AND NEEDLES; Melnick-Needles Syndrome (FLNA-MNS). Identifiers: Orphanet 2484, MedGen C0025237, MONDO:0010650, OMIM 309350.
Oto-palato-digital syndrome, type II (OPD2). Also called: FACIOPALATOOSSEOUS SYNDROME; OPD II SYNDROME; Otopalatodigital Syndrome, Type II; Otopalatodigital Syndrome Type 2 (FLNA-OPD2). Identifiers: Orphanet 669, Orphanet 90652, MedGen C1844696, MONDO:0010571, OMIM 304120.
Frontometaphyseal dysplasia (FMD1). Identifiers: Orphanet 1826, MedGen C0265293, MONDO:0015942.
Familial thoracic aortic aneurysm and aortic dissection (TAAD). Also called: Thoracic aortic aneurysms and dissections. Identifiers: Orphanet 91387, MedGen C4707243, MONDO:0019625.

Allele frequency attached by ClinVar (database versions not stated): gnomAD 0.00006 and 0.00007; gnomAD exomes 0.00007 and 0.00039; TOPMed 0.00015; ExAC 0.00027.
gnomAD v4.1: 81 of 1,210,681 alleles (0.0067%); highest among the groups gnomAD compares: Admixed American, 0.17%; no homozygotes.

Submissions (7):

Labcorp Genetics (formerly Invitae), Labcorp
Classification: Benign for Oto-palato-digital syndrome, type II; Heterotopia, periventricular, X-linked dominant; Frontometaphyseal dysplasia; Melnick-Needles syndrome. Last evaluated: 2025-12-11. Review status: criteria provided, single submitter. Criteria: Invitae Variant Classification Sherloc (09022015). Collection method: clinical testing. Allele origin: germline.

Women's Health and Genetics/Laboratory Corporation of America, LabCorp
Classification: Benign. Last evaluated: 2023-07-21. Review status: criteria provided, single submitter. Criteria: LabCorp Variant Classification Summary - May 2015. Collection method: clinical testing. Allele origin: germline.

Blueprint Genetics
Classification: Likely benign. Last evaluated: 2021-02-26. Review status: criteria provided, single submitter. Criteria: ACMG Guidelines, 2015. Collection method: clinical testing. Allele origin: germline.

GeneDx
Classification: Likely benign. Last evaluated: 2019-02-28. Review status: criteria provided, single submitter. Criteria: GeneDx Variant Classification Process June 2021. Collection method: clinical testing. Allele origin: germline. Affected: yes.

Genetic Services Laboratory, University of Chicago
Classification: Likely benign. Last evaluated: 2016-05-13. Review status: criteria provided, single submitter. Criteria: ACMG Guidelines, 2015. Collection method: clinical testing. Allele origin: germline. Affected: no.

Ambry Genetics
Classification: Likely benign for Familial thoracic aortic aneurysm and aortic dissection. Last evaluated: 2016-03-13. Review status: criteria provided, single submitter. Criteria: Ambry Variant Classification Scheme 2023. Collection method: clinical testing. Allele origin: germline.

PreventionGenetics, part of Exact Sciences
Classification: Likely benign for FLNA-related condition. Last evaluated: 2020-01-13. Review status: no assertion criteria provided. Collection method: clinical testing. Allele origin: germline. Not counted in ClinVar's aggregate classification.
Comment: This variant is classified as likely benign based on ACMG/AMP sequence variant interpretation guidelines (Richards et al. 2015 PMID: 25741868, with internal and published modifications).

NM_001110556.2(FLNA):c.1587G>A (p.Lys529=)

Gene: FLNA (filamin A; minus strand). Cytogenetic location: Xq28.
Variant type: single nucleotide variant.
Coding change: c.1587G>A on transcript NM_001110556.2 (MANE Select); coding-DNA position 1587, G replaced by A.
Protein change: p.Lys529=; no amino-acid change (lysine 529 retained).
Molecular consequence: synonymous variant.
Genome position (GRCh38, 1-based): chrX:154,365,240, C>T on the plus strand (G>A on the coding strand, the complement: FLNA is on the minus strand). VCF-style: chrX-154365240-C-T. GRCh37 (hg19) VCF-style: chrX-153593608-C-T.
Other names: c.1587G>A (NM_001110556.1); c.1587G>A, p.Lys529= (NM_001456.4).
Identifiers: ClinVar variation 413394 (VCV000413394.22), dbSNP rs782615607, ClinGen allele CA10561142.
Genomic context (GRCh38, chrX:154,365,240, plus strand): 5'-GGTTCCAGGGACCATGGGGTAATACTCGAAGCCATACACGCCATCCCCCAGGTCCTTCTG[C>T]TTCACGCGCTCCTCTCCCTCTGCCAAGACAAGGAGGGCCTCAGGCCTGCCCAGCAGTGAA-3'
Protein context (NP_001104026.1, residues 519-539): VKGPKGEERV[Lys529=]QKDLGDGVYG